The following is an entry in ClinVar:

NM_016734.3(PAX5):c.382A>C (p.Thr128Pro)

Gene: PAX5 (paired box 5; minus strand). Cytogenetic location: 9p13.2.
Variant type: single nucleotide variant.
Coding change: c.382A>C on transcript NM_016734.3 (MANE Select); coding-DNA position 382, A replaced by C.
Protein change: p.Thr128Pro; replaces threonine 128 with proline.
Molecular consequence: missense variant. On other transcripts: non-coding transcript variant (2), intron variant (1).
Genome position (GRCh38, 1-based): chr9:37,015,025, T>G on the plus strand (A>C on the coding strand, the complement: PAX5 is on the minus strand). VCF-style: chr9-37015025-T-G. GRCh37 (hg19) VCF-style: chr9-37015022-T-G.
Other names: c.382A>C, p.Thr128Pro (NM_001280547.2, NM_001280548.2, NM_001280549.2 and 4 more transcripts); c.58A>C, p.Thr20Pro (NM_001280551.2, NM_001280556.2); c.212+5611A>C (NM_001280555.2); short protein forms T20P, T128P.
Identifiers: ClinVar variation 3414538 (VCV003414538.1).

ClinVar aggregate classification (germline): Uncertain significance (1 of 4 stars; one submission).

Conditions:
Inborn genetic diseases. Identifiers: MedGen C0950123, MeSH D030342.

Submission:

Ambry Genetics
Classification: Uncertain significance for Inborn genetic diseases. Last evaluated: 2024-11-26. Review status: criteria provided, single submitter. Criteria: Ambry Variant Classification Scheme 2023. Collection method: clinical testing. Allele origin: germline.
Comment: The p.T128P variant (also known as c.382A>C), located in coding exon 3 of the PAX5 gene, results from an A to C substitution at nucleotide position 382. The threonine at codon 128 is replaced by proline, an amino acid with highly similar properties. This amino acid position is conserved. In addition, this alteration is predicted to be deleterious by in silico analysis. Based on the available evidence, the clinical significance of this variant remains unclear.